The following is an entry in ClinVar:

ClinVar aggregate classification (germline): Pathogenic (1 of 4 stars; one submission).

Conditions:
Neuromuscular disease caused by qualitative or quantitative defects of dysferlin. Also called: Dysferlinopathy; Qualitative or quantitative defects of dysferlin. Identifiers: Orphanet 207073, MedGen C2931687, MONDO:0016145.

Submission:

Labcorp Genetics (formerly Invitae), Labcorp
Classification: Pathogenic for Neuromuscular disease caused by qualitative or quantitative defects of dysferlin. Last evaluated: 2025-12-20. Review status: criteria provided, single submitter. Criteria: Invitae Variant Classification Sherloc (09022015). Collection method: clinical testing. Allele origin: germline.
Comment: This sequence change creates a premature translational stop signal (p.Tyr1858Ilefs*108) in the DYSF gene. It is expected to result in an absent or disrupted protein product. Loss-of-function variants in DYSF are known to be pathogenic (PMID: 17698709, 20301480). This variant is not present in population databases (gnomAD no frequency). This premature translational stop signal has been observed in individual(s) with DYSF-related conditions (PMID: 21522182). For these reasons, this variant has been classified as Pathogenic.

Literature cited by the submitters: PubMed 17698709; PubMed 20301480; PubMed 21522182.

NM_001130987.2(DYSF):c.5689del (p.Tyr1897fs)

Gene: DYSF (dysferlin; plus strand). Cytogenetic location: 2p13.2.
Variant type: Deletion.
Coding change: c.5689del on transcript NM_001130987.2 (MANE Select); coding-DNA position 5689, one base deleted (T; older notation c.5689delT).
Protein change: p.Tyr1897fs; shifts the reading frame from tyrosine 1897.
Molecular consequence: frameshift variant.
Genome position (GRCh38, 1-based): chr2:71,669,651, T deleted; the last of 2 consecutive T bases (chr2:71,669,650-71,669,651); deleting either gives the same sequence. VCF-style (leftmost placement, unchanged base first): chr2-71669649-AT-A. GRCh37 (hg19) VCF-style: chr2-71896779-AT-A.
Other names: c.5575del, p.Tyr1859fs (NM_001130455.2); c.5530del, p.Tyr1844fs (NM_001130976.2); c.5593del, p.Tyr1865fs (NM_001130977.2); c.5635del, p.Tyr1879fs (NM_001130978.2); c.5665del, p.Tyr1889fs (NM_001130979.2); c.5623del, p.Tyr1875fs (NM_001130980.2); c.5686del, p.Tyr1896fs (NM_001130981.2); c.5668del, p.Tyr1890fs (NM_001130982.2); and 5 more; short protein forms Y1866fs, Y1875fs, Y1876fs, Y1879fs, Y1889fs, Y1845fs, Y1858fs, Y1896fs.
Identifiers: ClinVar variation 4746989 (VCV004746989.1).